The following is an entry in ClinVar:

NC_000015.10:g.(?_44572673)_(44575051_?)del

Gene: SPG11 (SPG11 vesicle trafficking associated, spatacsin; minus strand). Cytogenetic location: 15q21.1.
Variant type: Deletion.
Identifiers: ClinVar variation 659587 (VCV000659587.1).

ClinVar aggregate classification (germline): Pathogenic (1 of 4 stars; one submission).

Conditions:
Hereditary spastic paraplegia 11. Also called: SPASTIC PARAPLEGIA, AUTOSOMAL RECESSIVE, COMPLICATED, WITH THIN CORPUS CALLOSUM; SPASTIC PARAPLEGIA, AUTOSOMAL RECESSIVE, WITH MENTAL IMPAIRMENT AND THIN CORPUS CALLOSUM; Spastic paraplegia, mental retardation and thin corpus callosum; Nakamura Osame syndrome; Autosomal recessive hereditary spastic paraplegia, mental impairment, and thin corpus callosum; Spastic Paraplegia 11. Identifiers: Orphanet 2822, MedGen C1858479, MONDO:0011445, OMIM 604360.

Submission:

Labcorp Genetics (formerly Invitae), Labcorp
Classification: Pathogenic for Spastic paraplegia 11, autosomal recessive. Last evaluated: 2018-11-06. Review status: criteria provided, single submitter. Criteria: Invitae Variant Classification Sherloc (09022015). Collection method: clinical testing. Allele origin: germline.
Comment: This variant is a gross deletion of the genomic region encompassing exons 31-33 of the SPG11 gene. This leads to an in-frame deletion, preserving the integrity of the reading frame. This variant has been observed in an several individuals affected with spastic paraplegia (Invitae). Sub-genic deletions of exon 33 have been determined to be pathogenic (PMID:Â¬â€ 21896784,Â¬â€ 22237444). Therefore, deletions that fully encompass that region are also expected to be pathogenic. For these reasons, this variant has been classified as Pathogenic.